The following is an entry in ClinVar:

ClinVar aggregate classification (germline): Pathogenic (1 of 4 stars; one submission).

Conditions:
Breast-ovarian cancer, familial, susceptibility to, 1 (BROVCA1). Also called: BRCA1 Hereditary Breast and Ovarian Cancer; OVARIAN CANCER, SUSCEPTIBILITY TO. Identifiers: Orphanet 145, MedGen C2676676, MONDO:0011450, OMIM 604370. Disease mechanism: loss of function.

Submission:

Myriad Genetics, Inc.
Classification: Pathogenic for Breast-ovarian cancer, familial, susceptibility to, 1. Last evaluated: 2025-08-12. Review status: criteria provided, single submitter. Criteria: Myriad Autosomal Dominant, Autosomal Recessive and X-Linked Classification Criteria (2023). Collection method: clinical testing. Allele origin: unknown.
Comment: This variant is considered pathogenic. This variant creates a termination codon and is predicted to result in premature protein truncation.

NM_007294.4(BRCA1):c.1300_1307del (p.Ser434_Asp435insTer)

Gene: BRCA1 (BRCA1 DNA repair associated; minus strand). Cytogenetic location: 17q21.31.
Variant type: Deletion.
Coding change: c.1300_1307del on transcript NM_007294.4 (MANE Select); coding-DNA positions 1300 to 1307, 8 bases deleted (AGTGATCC; older notation c.1300_1307delAGTGATCC).
Protein change: p.Ser434_Asp435insTer.
Molecular consequence: frameshift variant. On other transcripts: intron variant (137).
Genome position (GRCh38, 1-based): chr17:43,094,224-43,094,231, GGATCACT deleted on the plus strand (AGTGATCC on the coding strand, the reverse complement: BRCA1 is on the minus strand); deleting any 8 consecutive bases within chr17:43,094,224-43,094,233 gives the same sequence; the c. name uses the placement nearest the transcript's 3' end. VCF-style (leftmost placement, unchanged base first): chr17-43094223-AGGATCACT-A. GRCh37 (hg19) VCF-style: chr17-41246240-AGGATCACT-A.
Other names: c.1291_1298del, p.Ser431_Asp432insTer (NM_001407647.1, NM_001407646.1); c.1177_1184del, p.Ser393_Asp394insTer (NM_001407648.1, NM_001407664.1, NM_001407665.1 and 19 more transcripts); c.1174_1181del, p.Ser392_Asp393insTer (NM_001407649.1, NM_001407670.1, NM_001407671.1 and 11 more transcripts); c.1300_1307del, p.Ser434_Asp435insTer (NM_001407652.1, NM_001407581.1, NM_001407582.1 and 30 more transcripts); c.1222_1229del, p.Ser408_Asp409insTer (NM_001407653.1, NM_001407654.1, NM_001407655.1 and 4 more transcripts); c.1087_1094del, p.Ser363_Asp364insTer (NM_001407571.1, NM_001407915.1, NM_001407916.1 and 9 more transcripts); c.1297_1304del, p.Ser433_Asp434insTer (NM_001407587.1, NM_001407590.1, NM_001407591.1 and 22 more transcripts); c.1219_1226del, p.Ser407_Asp408insTer (NM_001407659.1, NM_001407660.1, NM_001407661.1 and 1 more transcripts); and 40 more.
Identifiers: ClinVar variation 4294250 (VCV004294250.1).
Genomic context (GRCh38, chr17:43,094,223, plus strand): 5'-AATATTACTCTCTACTGATTTGGAGTGAACTCTTTCACTTTTACATATTAAAGCCTCATG[AGGATCACT>A]GGCCAGTAAGTCTATTTTCTCTGAAGAACCAGAATATTCATCTACCTCATTTAGAACGTC-3'